The following is an entry in ClinVar:

NM_006245.4(PPP2R5D):c.1799A>G (p.Glu600Gly)

Genes: MEA1 (male-enhanced antigen 1; minus strand), PPP2R5D (protein phosphatase 2 regulatory subunit B'delta; plus strand). Cytogenetic location: 6p21.1.
Variant type: single nucleotide variant.
Coding change: c.1799A>G on transcript NM_006245.4 (MANE Select); coding-DNA position 1799, A replaced by G.
Protein change: p.Glu600Gly; replaces glutamic acid 600 with glycine.
Molecular consequence: missense variant. On other transcripts: 3 prime UTR variant (1).
Genome position (GRCh38, 1-based): chr6:43,011,276, A>G. VCF-style: chr6-43011276-A-G. GRCh37 (hg19) VCF-style: chr6-42979014-A-G.
Other names: c.*1194T>C (NM_014623.4); c.1346A>G, p.Glu449Gly (NM_001270476.2); c.1703A>G, p.Glu568Gly (NM_180976.3); c.1481A>G, p.Glu494Gly (NM_180977.3); short protein forms E449G, E568G, E600G, E494G.
Identifiers: ClinVar variation 1461369 (VCV001461369.6), dbSNP rs2150284112, ClinGen allele CA364142972.

ClinVar aggregate classification (germline): Uncertain significance (1 of 4 stars; one submission).

Submission:

Labcorp Genetics (formerly Invitae), Labcorp
Classification: Uncertain significance. Last evaluated: 2021-10-18. Review status: criteria provided, single submitter. Criteria: Invitae Variant Classification Sherloc (09022015). Collection method: clinical testing. Allele origin: germline.
Comment: In summary, the available evidence is currently insufficient to determine the role of this variant in disease. Therefore, it has been classified as a Variant of Uncertain Significance. Algorithms developed to predict the effect of missense changes on protein structure and function are either unavailable or do not agree on the potential impact of this missense change (SIFT: "Tolerated"; PolyPhen-2: "Possibly Damaging"; Align-GVGD: "Class C0"). This variant has not been reported in the literature in individuals affected with PPP2R5D-related conditions. This variant is not present in population databases (ExAC no frequency). This sequence change replaces glutamic acid with glycine at codon 600 of the PPP2R5D protein (p.Glu600Gly). The glutamic acid residue is moderately conserved and there is a moderate physicochemical difference between glutamic acid and glycine.